The following is an entry in ClinVar:

NM_000435.3(NOTCH3):c.1572C>G (p.Asp524Glu)

Gene: NOTCH3 (notch receptor 3; minus strand). Cytogenetic location: 19p13.12.
Variant type: single nucleotide variant.
Coding change: c.1572C>G on transcript NM_000435.3 (MANE Select); coding-DNA position 1572, C replaced by G.
Protein change: p.Asp524Glu; replaces aspartic acid 524 with glutamic acid.
Molecular consequence: missense variant.
Genome position (GRCh38, 1-based): chr19:15,187,915, G>C on the plus strand (C>G on the coding strand, the complement: NOTCH3 is on the minus strand). VCF-style: chr19-15187915-G-C. GRCh37 (hg19) VCF-style: chr19-15298726-G-C.
Other names: short protein forms D524E.
Identifiers: ClinVar variation 2812623 (VCV002812623.3), dbSNP rs2512659345, ClinGen allele CA404526358.

ClinVar aggregate classification (germline): Uncertain significance (1 of 4 stars; one submission).

Submission:

Labcorp Genetics (formerly Invitae), Labcorp
Classification: Uncertain significance. Last evaluated: 2022-11-07. Review status: criteria provided, single submitter. Criteria: Invitae Variant Classification Sherloc (09022015). Collection method: clinical testing. Allele origin: germline.
Comment: This sequence change replaces aspartic acid, which is acidic and polar, with glutamic acid, which is acidic and polar, at codon 524 of the NOTCH3 protein (p.Asp524Glu). This variant is not present in population databases (gnomAD no frequency). This variant has not been reported in the literature in individuals affected with NOTCH3-related conditions. Advanced modeling of protein sequence and biophysical properties (such as structural, functional, and spatial information, amino acid conservation, physicochemical variation, residue mobility, and thermodynamic stability) performed at Invitae indicates that this missense variant is not expected to disrupt NOTCH3 protein function. In summary, the available evidence is currently insufficient to determine the role of this variant in disease. Therefore, it has been classified as a Variant of Uncertain Significance.